The following is an entry in ClinVar:

NM_004646.4(NPHS1):c.424_425del (p.Pro142fs)

Gene: NPHS1 (NPHS1 adhesion molecule, nephrin; minus strand). Cytogenetic location: 19q13.12.
Variant type: Deletion.
Coding change: c.424_425del on transcript NM_004646.4 (MANE Select); coding-DNA positions 424 to 425, 2 bases deleted (CC; older notation c.424_425delCC).
Protein change: p.Pro142fs; shifts the reading frame from proline 142.
Molecular consequence: frameshift variant.
Genome position (GRCh38, 1-based): chr19:35,851,062-35,851,063, GG deleted on the plus strand (CC on the coding strand, the reverse complement: NPHS1 is on the minus strand); deleting any 2 consecutive bases within chr19:35,851,062-35,851,065 gives the same sequence; the c. name uses the placement nearest the transcript's 3' end. VCF-style (leftmost placement, unchanged base first): chr19-35851061-TGG-T. GRCh37 (hg19) VCF-style: chr19-36341963-TGG-T.
Other names: short protein forms P142fs.
Identifiers: ClinVar variation 1724465 (VCV001724465.2), dbSNP rs2513784037, ClinGen allele CA2580096897.

ClinVar aggregate classification (germline): Likely pathogenic (1 of 4 stars; one submission).

Conditions:
Finnish congenital nephrotic syndrome (NPHS1). Also called: NEPHROTIC SYNDROME, TYPE 1. Identifiers: Orphanet 839, MedGen C0403399, MONDO:0009732, OMIM 256300.

Submission:

Myriad Genetics, Inc.
Classification: Likely pathogenic for Finnish congenital nephrotic syndrome. Last evaluated: 2022-02-17. Review status: criteria provided, single submitter. Criteria: Myriad Women's Health Autosomal Recessive and X-Linked Classification Criteria (2021). Collection method: clinical testing. Allele origin: unknown.
Comment: NM_004646.3(NPHS1):c.424_425delCC(P142Rfs*28) is expected to be pathogenic in the context of nephrotic syndrome, NPHS1-related. This variant is predicted to lead to an abnormal or absent protein product due to the creation of a premature termination codon in NPHS1, a gene where loss-of-function variants are known to be pathogenic. Please note: this variant was assessed in the context of healthy population screening.